The following is an entry in ClinVar:

ClinVar aggregate classification (germline): Likely benign. Review status: criteria provided, multiple submitters, no conflicts (2 of 4 stars). 2 submissions from 2 submitters: Likely benign (2). Last evaluated 2018-01-13.

Conditions:
Autosomal recessive congenital ichthyosis 6 (ARCI6). Identifiers: Orphanet 313, Orphanet 79394, MedGen C2677065, MONDO:0012847, OMIM 612281.

Allele frequency attached by ClinVar (database versions not stated): 1000 Genomes Project 30x 0.00453; 1000 Genomes Project 0.00499; gnomAD 0.00529 and 0.00541; TOPMed 0.00552.
gnomAD v4.1: 2,698 of 453,660 alleles (0.59%); highest among the groups gnomAD compares: Non-Finnish European, 0.78%; 6 homozygotes.

Submissions (2):

Illumina Laboratory Services, Illumina
Classification: Likely benign for Autosomal recessive congenital ichthyosis 6. Last evaluated: 2018-01-13. Review status: criteria provided, single submitter. Criteria: ICSL Variant Classification Criteria 13 December 2019. Collection method: clinical testing. Allele origin: germline.
Comment: This variant was observed in the ICSL laboratory as part of a predisposition screen in an ostensibly healthy population. It had not been previously curated by ICSL or reported in the Human Gene Mutation Database (HGMD: prior to June 1st, 2018), and was therefore a candidate for classification through an automated scoring system. Utilizing variant allele frequency, disease prevalence and penetrance estimates, and inheritance mode, an automated score was calculated to assess if this variant is too frequent to cause the disease. Based on the score and internal cut-off values, a variant classified as likely benign is not then subjected to further curation. The score for this variant resulted in a classification of likely benign for this disease.

Breakthrough Genomics
Classification: Likely benign. Review status: criteria provided, single submitter. Criteria: ACMG Guidelines, 2015. Collection method: not provided. Allele origin: germline. Inheritance: Autosomal recessive inheritance. Affected: yes.

NM_001099287.2(NIPAL4):c.*228C>G

Gene: NIPAL4 (NIPA like domain containing 4; plus strand). Cytogenetic location: 5q33.3.
Variant type: single nucleotide variant.
Coding change: c.*228C>G on transcript NM_001099287.2 (MANE Select); 228 bases downstream of the stop codon, C replaced by G.
Molecular consequence: 3 prime UTR variant.
Genome position (GRCh38, 1-based): chr5:157,473,188, C>G. VCF-style: chr5-157473188-C-G. GRCh37 (hg19) VCF-style: chr5-156900196-C-G.
Other names: c.*228C>G (NM_001172292.2).
Identifiers: ClinVar variation 905868 (VCV000905868.5), dbSNP rs184168328, ClinGen allele CA130150879.
Genomic context (GRCh38, chr5:157,473,188, plus strand): 5'-TAGCAATGGTGGCAGAACTTCCTGGAAACAGATTCAGTGACCAAATACCCAAGTTTACAT[C>G]AGTGCCTGCAGGTTCCCTGGACCTTCCTTCTCATTCATTCTTTCGGTGCCATCTCTATGC-3'